The following is an entry in ClinVar:

NR_003051.4(RMRP):n.161dup

Gene: RMRP (RNA component of mitochondrial RNA processing endoribonuclease; minus strand). Cytogenetic location: 9p13.3.
Variant type: Duplication.
Molecular consequence: non-coding transcript variant (on NR_003051.4).
Genome position: GRCh38 VCF-style: chr9-35657858-G-GA. GRCh37 (hg19) VCF-style: chr9-35657855-G-GA.
Identifiers: ClinVar variation 3717161 (VCV003717161.2).

ClinVar aggregate classification (germline): Uncertain significance (1 of 4 stars; one submission).

Conditions:
Anauxetic dysplasia. Identifiers: Orphanet 93347, MedGen C1846796, MONDO:0011773.

Submission:

Labcorp Genetics (formerly Invitae), Labcorp
Classification: Uncertain significance for Anauxetic dysplasia. Last evaluated: 2024-09-03. Review status: criteria provided, single submitter. Criteria: Invitae Variant Classification Sherloc (09022015). Collection method: clinical testing. Allele origin: germline.
Comment: This variant occurs in the RMRP gene, which encodes an RNA molecule that does not result in a protein product. This variant is not present in population databases (gnomAD no frequency). This variant has not been reported in the literature in individuals affected with RMRP-related conditions. Experimental studies and prediction algorithms are not available or were not evaluated, and the functional significance of this variant is currently unknown. In summary, the available evidence is currently insufficient to determine the role of this variant in disease. Therefore, it has been classified as a Variant of Uncertain Significance.